The following is an entry in ClinVar:

NM_001042492.3(NF1):c.587-11G>T

Gene: NF1 (neurofibromin 1; plus strand). Cytogenetic location: 17q11.2.
Variant type: single nucleotide variant.
Coding change: c.587-11G>T on transcript NM_001042492.3 (MANE Select); 11 bases into the intron before coding-DNA position 587, G replaced by T.
Molecular consequence: intron variant.
Genome position (GRCh38, 1-based): chr17:31,181,411, G>T. VCF-style: chr17-31181411-G-T. GRCh37 (hg19) VCF-style: chr17-29508429-G-T.
Other names: c.587-11G>T (NM_000267.4, NM_001128147.3).
Identifiers: ClinVar variation 1188090 (VCV001188090.14), dbSNP rs1471659235, ClinGen allele CA728019694.
Genomic context (GRCh38, chr17:31,181,411, plus strand): 5'-TTATTTTGCTCTGAGTTGTATTTGTGTTAACTTATTCTAGAGTTAATTTTTAAAAATTGT[G>T]TTTTTTCCAGAAACAGCATTTAAATTTAAAGCCCTAAAGAAGGTTGCGCAGTTAGCAGTT-3'

ClinVar aggregate classification (germline): Likely benign. Review status: criteria provided, multiple submitters, no conflicts (2 of 4 stars). 5 submissions from 5 submitters: Likely benign (5). Last evaluated 2026-05-11.

Conditions:
Neurofibromatosis, type 1 (NF1). Also called: Peripheral type neurofibromatosis; VON RECKLINGHAUSEN DISEASE; Neurofibromatosis, type I; NEUROFIBROMATOSIS, TYPE I, SOMATIC. Identifiers: Orphanet 636, MedGen C0027831, MONDO:0018975, OMIM 162200. Disease mechanism: loss of function.

Allele frequency attached by ClinVar (database versions not stated): gnomAD exomes 0.00001; gnomAD 0.00003; TOPMed 0.00008.
gnomAD v4.1: 14 of 1,611,860 alleles (0.00087%); highest among the groups gnomAD compares: Middle Eastern, 0.033%; no homozygotes.

Submissions (5):

Myriad Genetics, Inc.
Classification: Likely benign for Neurofibromatosis, type 1. Last evaluated: 2026-05-11. Review status: criteria provided, single submitter. Criteria: Myriad Autosomal Dominant, Autosomal Recessive and X-Linked Classification Criteria (2023). Collection method: clinical testing. Allele origin: unknown.
Comment: This variant is considered likely benign. This variant is intronic and is not expected to impact mRNA splicing.

Labcorp Genetics (formerly Invitae), Labcorp
Classification: Likely benign for Neurofibromatosis, type 1. Last evaluated: 2025-12-14. Review status: criteria provided, single submitter. Criteria: Invitae Variant Classification Sherloc (09022015). Collection method: clinical testing. Allele origin: germline.

Blueprint Genetics
Classification: Likely benign. Last evaluated: 2022-07-13. Review status: criteria provided, single submitter. Criteria: ACMG Guidelines, 2015. Collection method: clinical testing. Allele origin: germline.

Genome-Nilou Lab
Classification: Likely benign for Neurofibromatosis, type 1. Last evaluated: 2022-03-15. Review status: criteria provided, single submitter. Criteria: ACMG Guidelines, 2015. Collection method: clinical testing. Allele origin: germline. Affected: no.

GeneDx
Classification: Likely benign. Last evaluated: 2021-10-30. Review status: criteria provided, single submitter. Criteria: GeneDx Variant Classification Process June 2021. Collection method: clinical testing. Allele origin: germline. Affected: yes.